The following is an entry in ClinVar:

NM_001127222.2(CACNA1A):c.1435A>G (p.Ile479Val)

Gene: CACNA1A (calcium voltage-gated channel subunit alpha1 A; minus strand). Cytogenetic location: 19p13.13.
Variant type: single nucleotide variant.
Coding change: c.1435A>G on transcript NM_001127222.2 (MANE Select); coding-DNA position 1435, A replaced by G.
Protein change: p.Ile479Val; replaces isoleucine 479 with valine.
Molecular consequence: missense variant.
Genome position (GRCh38, 1-based): chr19:13,317,232, T>C on the plus strand (A>G on the coding strand, the complement: CACNA1A is on the minus strand). VCF-style: chr19-13317232-T-C. GRCh37 (hg19) VCF-style: chr19-13428046-T-C.
Other names: c.1438A>G, p.Ile480Val (NM_000068.4, NM_001127221.2, NM_001174080.2 and 1 more transcripts); short protein forms I480V, I479V.
Identifiers: ClinVar variation 2938869 (VCV002938869.3), dbSNP rs1817502702, ClinGen allele CA404345813.

ClinVar aggregate classification (germline): Uncertain significance (1 of 4 stars; one submission).

Conditions:
Episodic ataxia type 2 (EA2). Also called: CEREBELLAR ATAXIA, PAROXYSMAL, ACETAZOLAMIDE-RESPONSIVE; CEREBELLOPATHY, HEREDITARY PAROXYSMAL; EPISODIC ATAXIA, NYSTAGMUS-ASSOCIATED; ACETAZOLAMIDE-RESPONSIVE HEREDITARY PAROXYSMAL CEREBELLAR ATAXIA; ATAXIA, EPISODIC, WITH NYSTAGMUS; ATAXIA, FAMILIAL PAROXYSMAL. Identifiers: Orphanet 97, MedGen C1720416, MONDO:0007163, OMIM 108500.
Developmental and epileptic encephalopathy, 42 (DEE42A). Also called: Epileptic encephalopathy, early infantile, 42; DEVELOPMENTAL AND EPILEPTIC ENCEPHALOPATHY 42A; EPILEPTIC ENCEPHALOPATHY, EARLY INFANTILE, 42A. Identifiers: MedGen C4310716, MONDO:0014917, OMIM 617106.

Allele frequency attached by ClinVar (database versions not stated): gnomAD exomes below 0.00001.
gnomAD v4.1: 2 of 1,613,734 alleles (0.00012%); highest among the groups gnomAD compares: Non-Finnish European, 0.00017%; no homozygotes.

Submission:

Labcorp Genetics (formerly Invitae), Labcorp
Classification: Uncertain significance for Developmental and epileptic encephalopathy, 42; Episodic ataxia type 2. Last evaluated: 2022-11-23. Review status: criteria provided, single submitter. Criteria: Invitae Variant Classification Sherloc (09022015). Collection method: clinical testing. Allele origin: germline.
Comment: Advanced modeling of protein sequence and biophysical properties (such as structural, functional, and spatial information, amino acid conservation, physicochemical variation, residue mobility, and thermodynamic stability) has been performed at Invitae for this missense variant, however the output from this modeling did not meet the statistical confidence thresholds required to predict the impact of this variant on CACNA1A protein function. This sequence change replaces isoleucine, which is neutral and non-polar, with valine, which is neutral and non-polar, at codon 480 of the CACNA1A protein (p.Ile480Val). This variant is not present in population databases (gnomAD no frequency). This variant has not been reported in the literature in individuals affected with CACNA1A-related conditions. In summary, the available evidence is currently insufficient to determine the role of this variant in disease. Therefore, it has been classified as a Variant of Uncertain Significance.